The following is an entry in ClinVar:

ClinVar aggregate classification (germline): Uncertain significance. Review status: criteria provided, multiple submitters, no conflicts (2 of 4 stars). 2 submissions from 2 submitters: Uncertain significance (2). Last evaluated 2025-12-26.

Conditions:
Atrioventricular septal defect 5 (AVSD5). Identifiers: MedGen C3280939, MONDO:0013769, OMIM 614474.

Submissions (2):

Labcorp Genetics (formerly Invitae), Labcorp
Classification: Uncertain significance for Atrioventricular septal defect 5. Last evaluated: 2025-12-26. Review status: criteria provided, single submitter. Criteria: Invitae Variant Classification Sherloc (09022015). Collection method: clinical testing. Allele origin: germline.
Comment: This variant, c.436_438del, results in the deletion of 1 amino acid(s) of the GATA6 protein (p.Glu146del), but otherwise preserves the integrity of the reading frame. This variant is present in population databases (rs761319387, gnomAD 0.03%). This variant has not been reported in the literature in individuals affected with GATA6-related conditions. Experimental studies and prediction algorithms are not available or were not evaluated, and the functional significance of this variant is currently unknown. In summary, the available evidence is currently insufficient to determine the role of this variant in disease. Therefore, it has been classified as a Variant of Uncertain Significance.

GeneDx
Classification: Uncertain significance. Last evaluated: 2023-11-16. Review status: criteria provided, single submitter. Criteria: GeneDx Variant Classification Process June 2021. Collection method: clinical testing. Allele origin: germline. Affected: yes.
Comment: In-frame deletion of 1 amino acid in a non-repeat region; In silico analysis supports a deleterious effect on protein structure/function; Has not been previously published as pathogenic or benign to our knowledge

NM_005257.6(GATA6):c.433GAG[1] (p.Glu146del)

Gene: GATA6 (GATA binding protein 6; plus strand). Cytogenetic location: 18q11.2.
Variant type: Microsatellite.
Coding change: c.433GAG[1] on transcript NM_005257.6 (MANE Select); one copy of the 3-base unit GAG starting at c.433; the reference has two copies in a row; one copy, 3 bases deleted.
Protein change: p.Glu146del; deletes glutamic acid 146.
Genome position (GRCh38, 1-based): chr18:22,171,580-22,171,582, GAG deleted; deleting any 3 consecutive bases within chr18:22,171,576-22,171,582 gives the same sequence; the position shown is the placement nearest the transcript's 3' end. VCF-style (leftmost placement, unchanged base first): chr18-22171575-CGGA-C. GRCh37 (hg19) VCF-style: chr18-19751536-CGGA-C.
Other names: short protein forms E146del.
Identifiers: ClinVar variation 3364128 (VCV003364128.2).